The following is an entry in ClinVar:

ClinVar aggregate classification (germline): Uncertain significance. Review status: criteria provided, multiple submitters, no conflicts (2 of 4 stars). 2 submissions from 2 submitters: Uncertain significance (2). Last evaluated 2024-03-27.

Allele frequency attached by ClinVar (database versions not stated): gnomAD exomes below 0.00001 and 0.00002; ExAC 0.00001; gnomAD 0.00001; TOPMed 0.00002.
gnomAD v4.1: 30 of 1,614,094 alleles (0.0019%); highest among the groups gnomAD compares: Non-Finnish European, 0.0025%; no homozygotes.

Submissions (2):

Mayo Clinic Laboratories, Mayo Clinic
Classification: Uncertain significance. Last evaluated: 2024-03-27. Review status: criteria provided, single submitter. Criteria: ACMG Guidelines, 2015. Collection method: clinical testing. Allele origin: germline. Observed: 2 variant alleles.
Comment: BP4

Labcorp Genetics (formerly Invitae), Labcorp
Classification: Uncertain significance. Last evaluated: 2024-01-10. Review status: criteria provided, single submitter. Criteria: Invitae Variant Classification Sherloc (09022015). Collection method: clinical testing. Allele origin: germline.
Comment: This sequence change replaces threonine, which is neutral and polar, with serine, which is neutral and polar, at codon 1277 of the ELP1 protein (p.Thr1277Ser). This variant is present in population databases (rs753141812, gnomAD 0.0009%). This variant has not been reported in the literature in individuals affected with ELP1-related conditions. ClinVar contains an entry for this variant (Variation ID: 1408958). Advanced modeling of protein sequence and biophysical properties (such as structural, functional, and spatial information, amino acid conservation, physicochemical variation, residue mobility, and thermodynamic stability) performed at Invitae indicates that this missense variant is not expected to disrupt ELP1 protein function with a negative predictive value of 80%. In summary, the available evidence is currently insufficient to determine the role of this variant in disease. Therefore, it has been classified as a Variant of Uncertain Significance.

NM_003640.5(ELP1):c.3829A>T (p.Thr1277Ser)

Gene: ELP1 (elongator acetyltransferase complex subunit 1; minus strand). Cytogenetic location: 9q31.3.
Variant type: single nucleotide variant.
Coding change: c.3829A>T on transcript NM_003640.5 (MANE Select); coding-DNA position 3829, A replaced by T.
Protein change: p.Thr1277Ser; replaces threonine 1277 with serine.
Molecular consequence: missense variant.
Genome position (GRCh38, 1-based): chr9:108,878,021, T>A on the plus strand (A>T on the coding strand, the complement: ELP1 is on the minus strand). VCF-style: chr9-108878021-T-A. GRCh37 (hg19) VCF-style: chr9-111640301-T-A.
Other names: p.Thr1277Ser; c.3487A>T, p.Thr1163Ser (NM_001318360.2); c.2782A>T, p.Thr928Ser (NM_001330749.2); short protein forms T1163S, T1277S, T928S.
Identifiers: ClinVar variation 1408958 (VCV001408958.9), dbSNP rs753141812, ClinGen allele CA5174178.